The following is an entry in ClinVar:

ClinVar aggregate classification (germline): Conflicting classifications of pathogenicity. Review status: criteria provided, conflicting classifications (1 of 4 stars). 2 submissions from 2 submitters: Uncertain significance (1); Likely benign (1). Last evaluated 2023-05-25.

Conditions:
Early-infantile DEE. Also called: Early infantile epileptic encephalopathy; Ohtahara syndrome; Early infantile epileptic encephalopathy with suppression bursts. Identifiers: Orphanet 1934, MedGen C0393706, MONDO:0800491.

Allele frequency attached by ClinVar (database versions not stated): gnomAD exomes below 0.00001.
gnomAD v4.1: 1 of 1,614,026 alleles (0.000062%); highest among the groups gnomAD compares: South Asian, 0.0011%; no homozygotes.

Submissions (2):

GeneDx
Classification: Uncertain significance. Last evaluated: 2023-05-25. Review status: criteria provided, single submitter. Criteria: GeneDx Variant Classification Process June 2021. Collection method: clinical testing. Allele origin: germline. Affected: yes.
Comment: Not observed at significant frequency in large population cohorts (gnomAD); In silico analysis supports that this variant does not alter splicing; Has not been previously published as pathogenic or benign to our knowledge

Labcorp Genetics (formerly Invitae), Labcorp
Classification: Likely benign for Early-infantile DEE. Last evaluated: 2022-03-15. Review status: criteria provided, single submitter. Criteria: Invitae Variant Classification Sherloc (09022015). Collection method: clinical testing. Allele origin: germline.

NM_001330260.2(SCN8A):c.168C>T (p.Asn56=)

Genes: SCN8A (sodium voltage-gated channel alpha subunit 8; plus strand), LOC114803470 (SCN8A eExon liver enhancer; plus strand). Cytogenetic location: 12q13.13.
Variant type: single nucleotide variant.
Coding change: c.168C>T on transcript NM_001330260.2 (MANE Select); coding-DNA position 168, C replaced by T.
Protein change: p.Asn56=; no amino-acid change (asparagine 56 retained).
Molecular consequence: synonymous variant.
Genome position (GRCh38, 1-based): chr12:51,662,985, C>T. VCF-style: chr12-51662985-C-T. GRCh37 (hg19) VCF-style: chr12-52056769-C-T.
Other names: c.168C>T, p.Asn56= (NM_001177984.3, NM_001369788.1, NM_014191.4); c.168C>T (NM_014191.3).
Identifiers: ClinVar variation 1618418 (VCV001618418.11), dbSNP rs1940955072, ClinGen allele CA480096422.